The following is an entry in ClinVar:

ClinVar aggregate classification (germline): Pathogenic (1 of 4 stars; one submission).

Submission:

CeGaT Center for Human Genetics Tuebingen
Classification: Pathogenic. Last evaluated: 2022-10-01. Review status: criteria provided, single submitter. Criteria: CeGaT Center For Human Genetics Tuebingen Variant Classification Criteria Version 2. Collection method: clinical testing. Allele origin: germline. Affected: yes. Observed: 1 variant allele.
Comment: ALOXE3: PVS1, PM2

NM_021628.3(ALOXE3):c.1573G>T (p.Glu525Ter)

Gene: ALOXE3 (arachidonate epidermal lipoxygenase 3; minus strand). Cytogenetic location: 17p13.1.
Variant type: single nucleotide variant.
Coding change: c.1573G>T on transcript NM_021628.3 (MANE Select); coding-DNA position 1573, G replaced by T.
Protein change: p.Glu525Ter; replaces glutamic acid 525 with a stop codon.
Molecular consequence: nonsense.
Genome position (GRCh38, 1-based): chr17:8,108,579, C>A on the plus strand (G>T on the coding strand, the complement: ALOXE3 is on the minus strand). VCF-style: chr17-8108579-C-A. GRCh37 (hg19) VCF-style: chr17-8011897-C-A.
Other names: c.1969G>T, p.Glu657Ter (NM_001165960.1); c.1570G>T, p.Glu524Ter (NM_001369446.1); short protein forms E524*, E525*, E657*.
Identifiers: ClinVar variation 1879361 (VCV001879361.29), dbSNP rs1200447542, ClinGen allele CA397971090.